The following is an entry in ClinVar:

NM_000441.2(SLC26A4):c.1544+5G>A

Gene: SLC26A4 (solute carrier family 26 member 4; plus strand). Cytogenetic location: 7q22.3.
Variant type: single nucleotide variant.
Coding change: c.1544+5G>A on transcript NM_000441.2 (MANE Select); 5 bases into the intron after coding-DNA position 1544, G replaced by A.
Molecular consequence: intron variant.
Genome position (GRCh38, 1-based): chr7:107,696,044, G>A. VCF-style: chr7-107696044-G-A. GRCh37 (hg19) VCF-style: chr7-107336489-G-A.
Identifiers: ClinVar variation 381686 (VCV000381686.6), dbSNP rs1057521147, ClinGen allele CA16605105.

ClinVar aggregate classification (germline): Pathogenic/Likely pathogenic. Review status: criteria provided, multiple submitters, no conflicts (2 of 4 stars). 4 submissions from 4 submitters: Pathogenic (1); Likely pathogenic (3). Last evaluated 2026-03-25.

Conditions:
Pendred syndrome (PDS). Also called: Pendred Syndrome (PDS); HYPOTHYROIDISM, CONGENITAL, DUE TO DYSHORMONOGENESIS, 2B; Pendred's syndrome; DEAFNESS WITH GOITER; GOITER-DEAFNESS SYNDROME; THYROID DYSHORMONOGENESIS 2B. Identifiers: Orphanet 705, MedGen C0271829, MONDO:0010134, OMIM 274600.
Autosomal recessive nonsyndromic hearing loss 4 (DFNB4). Also called: FOXI1-Related Pendred Syndrome; KCNJ10-Related Pendred Syndrome; DEAFNESS, AUTOSOMAL RECESSIVE 4, WITH ENLARGED VESTIBULAR AQUEDUCT, DIGENIC; NEUROSENSORY NONSYNDROMIC RECESSIVE DEAFNESS 4; Nonsyndromic enlarged vestibular aqueduct (NSEVA); Deafness, autosomal recessive 4, with enlarged vestibular aqueduct. Identifiers: Orphanet 90636, MedGen C3538946, MONDO:0010933, OMIM 600791.

Submissions (4):

Myriad Genetics, Inc.
Classification: Likely pathogenic for Pendred syndrome. Last evaluated: 2026-03-25. Review status: criteria provided, single submitter. Criteria: Myriad Autosomal Dominant, Autosomal Recessive and X-Linked Classification Criteria (2023). Collection method: clinical testing. Allele origin: unknown.
Comment: NM_000441.1(SLC26A4):c.1544+5G>A is an intronic variant classified as likely pathogenic in the context of Pendred syndrome. c.1544+5G>A has been observed in cases with relevant disease (PMID: 19954013, 36597107, 38488843, Zhang_2019_(Article)). Relevant functional assessments of this variant are not available in the literature. c.1544+5G>A has not been observed in referenced population frequency databases. In summary, NM_000441.1(SLC26A4):c.1544+5G>A is an intronic variant that has been observed more frequently in cases with the relevant disease than in healthy populations. Please note: this variant was assessed in the context of healthy population screening.

Women's Health and Genetics/Laboratory Corporation of America, LabCorp
Classification: Pathogenic for Pendred syndrome. Last evaluated: 2025-09-24. Review status: criteria provided, single submitter. Criteria: LabCorp Variant Classification Summary - May 2015. Collection method: clinical testing. Allele origin: germline.
Comment: Variant summary: SLC26A4 c.1544+5G>A alters a conserved nucleotide located close to a canonical splice site and therefore could affect mRNA splicing, leading to a significantly altered protein sequence. Several computational tools predict a significant impact on normal splicing: Three predict the variant abolishes a 5' splicing donor site. At least one publication reports experimental evidence that this variant affects mRNA splicing and caused exon skipping (Lee_2019, Albader_2022). The variant was absent in 251208 control chromosomes (gnomAD). c.1544+5G>A has been observed in individuals affected with clinical features of Pendred Syndrome (Yuan_2009, Yuan_2012, Ma_2023, Mu_2024). These data indicate that the variant is likely to be associated with disease. The following publications have been ascertained in the context of this evaluation (PMID: 34632506, 31033086, 36597107, 38488843, 23185506, 19954013). ClinVar contains an entry for this variant (Variation ID: 381686). Based on the evidence outlined above, the variant was classified as pathogenic.

GeneDx
Classification: Likely pathogenic. Last evaluated: 2017-01-05. Review status: criteria provided, single submitter. Criteria: GeneDx Variant Classification (06012015). Collection method: clinical testing. Allele origin: germline. Affected: yes.
Comment: The c.1544+5 G>A variant has been published previously in association with non-syndromic hearing loss (Yuan et al., 2012); however, clinical information on the patient in this study was not provided. The variant was not observed in approximately 6,500 individuals of European and African American ancestry in the NHLBI Exome Sequencing Project, indicating it is not a common benign variant in these populations. Several in-silico splice prediction models predict that c.1544+5 G>A destroys the natural splice donor site of intron 13. However, in the absence of RNA/functional studies, the actual effect of this non-canonical splice variant is unknown. Therefore, this variant is likely pathogenic; however, the possibility that it is benign cannot be excluded.

Juno Genomics, Hangzhou Juno Genomics, Inc
Classification: Likely pathogenic for Autosomal recessive nonsyndromic hearing loss 4; Pendred syndrome. Review status: criteria provided, single submitter. Criteria: ACMG Guidelines, 2015. Collection method: clinical testing. Allele origin: germline. Affected: yes.
Comment: Absent from controls (or at extremely low frequency if recessive) in Genome Aggregation Database, Exome Sequencing Project, 1000 Genomes Project, or Exome Aggregation Consortium.;Well-established in vitro or in vivo functional studies supportive of a damaging effect on the gene or gene product.;For recessive disorders, detected in trans with a pathogenic variant.

Literature cited by the submitters: PubMed 31033086 (cited by Women's Health and Genetics/Laboratory Corporation of America, LabCorp); PubMed 23185506 (cited by Women's Health and Genetics/Laboratory Corporation of America, LabCorp); PubMed 34632506 (cited by Women's Health and Genetics/Laboratory Corporation of America, LabCorp); PubMed 36597107 (cited by Women's Health and Genetics/Laboratory Corporation of America, LabCorp); PubMed 19954013 (cited by Women's Health and Genetics/Laboratory Corporation of America, LabCorp); PubMed 38488843 (cited by Women's Health and Genetics/Laboratory Corporation of America, LabCorp).